The following is an entry in ClinVar:

NM_001614.5(ACTG1):c.853T>C (p.Cys285Arg)

Gene: ACTG1 (actin gamma 1; minus strand). Cytogenetic location: 17q25.3.
Variant type: single nucleotide variant.
Coding change: c.853T>C on transcript NM_001614.5 (MANE Select); coding-DNA position 853, T replaced by C.
Protein change: p.Cys285Arg; replaces cysteine 285 with arginine.
Molecular consequence: missense variant. On other transcripts: non-coding transcript variant (1).
Genome position (GRCh38, 1-based): chr17:81,511,058, A>G on the plus strand (T>C on the coding strand, the complement: ACTG1 is on the minus strand). VCF-style: chr17-81511058-A-G. GRCh37 (hg19) VCF-style: chr17-79478084-A-G.
Other names: c.853T>C, p.Cys285Arg (NM_001199954.3); short protein forms C285R.
Identifiers: ClinVar variation 162714 (VCV000162714.5), dbSNP rs727502882, ClinGen allele CA175199.

ClinVar aggregate classification (germline): Conflicting classifications of pathogenicity. Review status: criteria provided, conflicting classifications (1 of 4 stars). 2 submissions from 2 submitters: Likely pathogenic (1); Uncertain significance (1). Last evaluated 2017-11-20.

Conditions:
ACTG1-related disorder. Also called: ACTG1-related disorders; ACTG1-related condition.

Submissions (2):

Blueprint Genetics
Classification: Likely pathogenic for ACTG1-related disorders. Last evaluated: 2017-11-20. Review status: criteria provided, single submitter. Criteria: ACMG Guidelines, 2015. Collection method: clinical testing. Allele origin: germline. Affected: yes. Observed: 1 variant allele.

Laboratory for Molecular Medicine, Mass General Brigham Personalized Medicine
Classification: Uncertain significance. Last evaluated: 2013-06-11. Review status: criteria provided, single submitter. Criteria: LMM Criteria. Collection method: clinical testing. Allele origin: germline. Observed: 1 variant allele.
Comment: The Cys285Arg variant in ACTG1 has not been reported in individuals affected wit h hearing loss or in large population studies. Computational analyses (biochemic al amino acid properties, conservation, AlignGVGD, PolyPhen2, and SIFT) suggest that variant may impact the protein and the variant affects a conserved cysteine (Cys) residue which may alter the structure of the protein. However, this infor mation is not predictive enough to assume pathogenicity. In summary, additional studies are needed to fully assess the clinical significance of the Cys285Arg va riant.